The following is an entry in ClinVar:

NM_001371928.1(AHDC1):c.4621C>T (p.Pro1541Ser)

Gene: AHDC1 (AT-hook DNA binding motif containing 1; minus strand). Cytogenetic location: 1p36.11.
Variant type: single nucleotide variant.
Coding change: c.4621C>T on transcript NM_001371928.1 (MANE Select); coding-DNA position 4621, C replaced by T.
Protein change: p.Pro1541Ser; replaces proline 1541 with serine.
Molecular consequence: missense variant.
Genome position (GRCh38, 1-based): chr1:27,547,495, G>A on the plus strand (C>T on the coding strand, the complement: AHDC1 is on the minus strand). VCF-style: chr1-27547495-G-A. GRCh37 (hg19) VCF-style: chr1-27874006-G-A.
Other names: c.4621C>T, p.Pro1541Ser (NM_001029882.3); short protein forms P1541S.
Identifiers: ClinVar variation 985027 (VCV000985027.4), dbSNP rs1164997538, ClinGen allele CA339220639.

ClinVar aggregate classification (germline): Uncertain significance. Review status: criteria provided, multiple submitters, no conflicts (2 of 4 stars). 2 submissions from 2 submitters: Uncertain significance (2). Last evaluated 2025-02-13.

Conditions:
Inborn genetic diseases. Identifiers: MedGen C0950123, MeSH D030342.

Allele frequency attached by ClinVar (database versions not stated): gnomAD exomes below 0.00001.
gnomAD v4.1: 2 of 1,606,234 alleles (0.00012%); highest among the groups gnomAD compares: Admixed American, 0.0017%; no homozygotes.

Submissions (2):

Labcorp Genetics (formerly Invitae), Labcorp
Classification: Uncertain significance. Last evaluated: 2025-02-13. Review status: criteria provided, single submitter. Criteria: Invitae Variant Classification Sherloc (09022015). Collection method: clinical testing. Allele origin: germline.
Comment: This sequence change replaces proline, which is neutral and non-polar, with serine, which is neutral and polar, at codon 1541 of the AHDC1 protein (p.Pro1541Ser). This variant is present in population databases (no rsID available, gnomAD 0.003%). This variant has not been reported in the literature in individuals affected with AHDC1-related conditions. ClinVar contains an entry for this variant (Variation ID: 985027). An algorithm developed to predict the effect of missense changes on protein structure and function (PolyPhen-2) suggests that this variant is likely to be disruptive. In summary, the available evidence is currently insufficient to determine the role of this variant in disease. Therefore, it has been classified as a Variant of Uncertain Significance.

Ambry Genetics
Classification: Uncertain significance for Inborn genetic diseases. Last evaluated: 2018-01-08. Review status: criteria provided, single submitter. Criteria: Ambry exome assertion method (8-5-2015). Collection method: clinical testing. Allele origin: germline. Affected: yes. Observed: 1 variant allele.